The following is an entry in ClinVar:

ClinVar aggregate classification (germline): Pathogenic (1 of 4 stars; one submission).

Conditions:
Cone-rod dystrophy 2 (CORD2). Also called: CONE-ROD RETINAL DYSTROPHY; Cone-rod retinal dystrophy 2. Identifiers: Orphanet 1872, MedGen C3489532, MONDO:0007362, OMIM 120970.
Leber congenital amaurosis 7 (LCA7). Identifiers: Orphanet 65, MedGen C3151192, MONDO:0013449, OMIM 613829.

Submission:

Labcorp Genetics (formerly Invitae), Labcorp
Classification: Pathogenic for Cone-rod dystrophy 2; Leber congenital amaurosis 7. Last evaluated: 2022-03-03. Review status: criteria provided, single submitter. Criteria: Invitae Variant Classification Sherloc (09022015). Collection method: clinical testing. Allele origin: germline.
Comment: ClinVar contains an entry for this variant (Variation ID: 944597). This variant has not been reported in the literature in individuals affected with CRX-related conditions. This variant is not present in population databases (gnomAD no frequency). This sequence change creates a premature translational stop signal (p.Leu51Argfs*19) in the CRX gene. While this is not anticipated to result in nonsense mediated decay, it is expected to disrupt the last 249 amino acid(s) of the CRX protein. This variant disrupts the region of the CRX protein between p.Arg41 and p.Gln148. Other variants in this region have been observed in individuals with autosomal dominant CRX-related conditions (PMID: 9427255, 28966547), which suggests that this may be a clinically significant region of the protein. For these reasons, this variant has been classified as Pathogenic.

Literature cited by the submitters: PubMed 9427255; PubMed 28966547.

NM_000554.6(CRX):c.152_153del (p.Leu51fs)

Gene: CRX (cone-rod homeobox; plus strand). Cytogenetic location: 19q13.33.
Variant type: Deletion.
Coding change: c.152_153del on transcript NM_000554.6 (MANE Select); coding-DNA positions 152 to 153, 2 bases deleted (TG; older notation c.152_153delTG).
Protein change: p.Leu51fs; shifts the reading frame from leucine 51.
Molecular consequence: frameshift variant.
Genome position (GRCh38, 1-based): chr19:47,836,294-47,836,295, TG deleted. VCF-style (leftmost placement, unchanged base first): chr19-47836293-CTG-C. GRCh37 (hg19) VCF-style: chr19-48339550-CTG-C.
Other names: short protein forms L51fs.
Identifiers: ClinVar variation 944597 (VCV000944597.9), dbSNP rs1968116898, ClinGen allele CA1139666501.
Genomic context (GRCh38, chr19:47,836,293, plus strand): 5'-CCCACCCCAGGCGCCCCCAGGAAGCAGCGGCGGGAGCGCACCACCTTCACCCGGAGCCAA[CTG>C]GAGGAGCTGGAGGCACTGTTTGCCAAGACCCAGTACCCAGACGTCTATGCCCGTGAGGAG-3'